The following is an entry in ClinVar:

NM_170606.3(KMT2C):c.74C>G (p.Pro25Arg)

Gene: KMT2C (lysine methyltransferase 2C; minus strand). Cytogenetic location: 7q36.1.
Variant type: single nucleotide variant.
Coding change: c.74C>G on transcript NM_170606.3 (MANE Select); coding-DNA position 74, C replaced by G.
Protein change: p.Pro25Arg; replaces proline 25 with arginine.
Molecular consequence: missense variant.
Genome position (GRCh38, 1-based): chr7:152,435,713, G>C on the plus strand (C>G on the coding strand, the complement: KMT2C is on the minus strand). VCF-style: chr7-152435713-G-C. GRCh37 (hg19) VCF-style: chr7-152132798-G-C.
Other names: short protein forms P25R.
Identifiers: ClinVar variation 1928667 (VCV001928667.5), dbSNP rs749087296, ClinGen allele CA4581836.

ClinVar aggregate classification (germline): Uncertain significance (1 of 4 stars; one submission).

Allele frequency attached by ClinVar (database versions not stated): gnomAD exomes below 0.00001; TOPMed 0.00001; gnomAD 0.00003; ExAC 0.00006.
gnomAD v4.1: 10 of 1,534,284 alleles (0.00065%); highest among the groups gnomAD compares: African/African-American, 0.011%; no homozygotes.

Submission:

Labcorp Genetics (formerly Invitae), Labcorp
Classification: Uncertain significance. Last evaluated: 2025-10-06. Review status: criteria provided, single submitter. Criteria: Invitae Variant Classification Sherloc (09022015). Collection method: clinical testing. Allele origin: germline.
Comment: This sequence change replaces proline, which is neutral and non-polar, with arginine, which is basic and polar, at codon 25 of the KMT2C protein (p.Pro25Arg). This variant is present in population databases (rs749087296, gnomAD 0.02%). This variant has not been reported in the literature in individuals affected with KMT2C-related conditions. ClinVar contains an entry for this variant (Variation ID: 1928667). An algorithm developed to predict the effect of missense changes on protein structure and function (PolyPhen-2) suggests that this variant is likely to be tolerated. In summary, the available evidence is currently insufficient to determine the role of this variant in disease. Therefore, it has been classified as a Variant of Uncertain Significance.